The following is an entry in ClinVar:

ClinVar aggregate classification (germline): Uncertain significance. Review status: criteria provided, multiple submitters, no conflicts (2 of 4 stars). 2 submissions from 2 submitters: Uncertain significance (2). Last evaluated 2023-10-25.

Conditions:
ACADS-related disorder. Also called: ACADS-related condition.
Deficiency of butyryl-CoA dehydrogenase (ACADSD). Also called: ACADS DEFICIENCY; SCAD DEFICIENCY, MILD; ACYL-CoA DEHYDROGENASE, SHORT-CHAIN, DEFICIENCY OF; SCADH DEFICIENCY; Short-Chain Acyl-CoA Dehydrogenase Deficiency; SCAD Deficiency. Identifiers: Orphanet 26792, MedGen C0342783, MONDO:0008722, OMIM 201470. Disease mechanism: May be benign.

Allele frequency attached by ClinVar (database versions not stated): gnomAD exomes below 0.00001 and 0.00002; TOPMed below 0.00001; gnomAD 0.00001; ExAC 0.00002.
gnomAD v4.1: 30 of 1,591,436 alleles (0.0019%); highest among the groups gnomAD compares: Non-Finnish European, 0.0024%; no homozygotes.

Submissions (2):

Labcorp Genetics (formerly Invitae), Labcorp
Classification: Uncertain significance for Deficiency of butyryl-CoA dehydrogenase. Last evaluated: 2023-10-25. Review status: criteria provided, single submitter. Criteria: Invitae Variant Classification Sherloc (09022015). Collection method: clinical testing. Allele origin: germline.
Comment: This sequence change replaces serine, which is neutral and polar, with phenylalanine, which is neutral and non-polar, at codon 111 of the ACADS protein (p.Ser111Phe). The frequency data for this variant in the population databases is considered unreliable, as metrics indicate poor data quality at this position in the gnomAD database. This missense change has been observed in individuals with clinical features of short-chain acyl-coenzyme A dehydrogenase deficiency (PMID: 12736383; Invitae). ClinVar contains an entry for this variant (Variation ID: 203552). Advanced modeling of protein sequence and biophysical properties (such as structural, functional, and spatial information, amino acid conservation, physicochemical variation, residue mobility, and thermodynamic stability) has been performed at Invitae for this missense variant, however the output from this modeling did not meet the statistical confidence thresholds required to predict the impact of this variant on ACADS protein function. In summary, the available evidence is currently insufficient to determine the role of this variant in disease. Therefore, it has been classified as a Variant of Uncertain Significance.

PreventionGenetics, part of Exact Sciences
Classification: Uncertain significance for ACADS-related condition. Last evaluated: 2023-05-09. Review status: criteria provided, single submitter. Criteria: ACMG Guidelines, 2015. Collection method: clinical testing. Allele origin: germline.
Comment: The ACADS c.332C>T variant is predicted to result in the amino acid substitution p.Ser111Phe. This variant has been previously reported, along with a nonsense variant and the 511 C>T SCAD gene susceptibility variation, in an individual with short-chain acyl-CoA-dehydrogenase deficiency (Patient C in Koeberl et al. 2003. PubMed ID: 12736383). This variant is reported in 0.0011% of alleles in individuals of European (Non-Finnish) descent in gnomAD. At this time, the clinical significance of this variant is uncertain due to the absence of conclusive functional and genetic evidence.

Literature cited by the submitters: PubMed 12736383 (cited by Labcorp Genetics (formerly Invitae), Labcorp).

NM_000017.4(ACADS):c.332C>T (p.Ser111Phe)

Gene: ACADS (acyl-CoA dehydrogenase short chain; plus strand). Cytogenetic location: 12q24.31.
Variant type: single nucleotide variant.
Coding change: c.332C>T on transcript NM_000017.4 (MANE Select); coding-DNA position 332, C replaced by T.
Protein change: p.Ser111Phe; replaces serine 111 with phenylalanine.
Molecular consequence: missense variant.
Genome position (GRCh38, 1-based): chr12:120,737,107, C>T. VCF-style: chr12-120737107-C-T. GRCh37 (hg19) VCF-style: chr12-121174910-C-T.
Other names: c.332C>T, p.Ser111Phe (NM_001302554.2); short protein forms S111F.
Identifiers: ClinVar variation 203552 (VCV000203552.8), dbSNP rs747339462, ClinGen allele CA312210.